The following is an entry in ClinVar:

NM_000064.4(C3):c.493G>T (p.Val165Phe)

Gene: C3 (complement C3; minus strand). Cytogenetic location: 19p13.3.
Variant type: single nucleotide variant.
Coding change: c.493G>T on transcript NM_000064.4 (MANE Select); coding-DNA position 493, G replaced by T.
Protein change: p.Val165Phe; replaces valine 165 with phenylalanine.
Molecular consequence: missense variant.
Genome position (GRCh38, 1-based): chr19:6,718,105, C>A on the plus strand (G>T on the coding strand, the complement: C3 is on the minus strand). VCF-style: chr19-6718105-C-A. GRCh37 (hg19) VCF-style: chr19-6718116-C-A.
Other names: short protein forms V165F.
Identifiers: ClinVar variation 4280267 (VCV004280267.1).

ClinVar aggregate classification (germline): Uncertain significance (1 of 4 stars; one submission).

Conditions:
Atypical hemolytic-uremic syndrome. Identifiers: Orphanet 2134, MedGen C2931788, MONDO:0016244.

gnomAD v4.1: 1 of 1,614,168 alleles (0.000062%); highest among the groups gnomAD compares: Non-Finnish European, 0.000085%; no homozygotes.

Submission:

Genomenon, Inc
Classification: Uncertain significance for Atypical hemolytic-uremic syndrome. Last evaluated: 2025-09-30. Review status: criteria provided, single submitter. Criteria: Genomenon Sequence Variant Interpretation Standards. Collection method: curation. Allele origin: germline. Affected: yes.
Comment: C3 p.Val165Phe (c.493G>T) is a missense variant that changes the amino acid at residue 165 from Valine to Phenylalanine. This variant has been observed in at least one proband affected with atypical hemolytic-uremic syndrome (PMID:25899302). It is absent or not present at a significant frequency in gnomAD. In conclusion, we classify C3 p.Val165Phe (c.493G>T) as a variant of unknown significance.

Literature cited by the submitters: PubMed 25899302.